The following is an entry in ClinVar:

NM_000093.5(COL5A1):c.2555A>T (p.Asn852Ile)

Gene: COL5A1 (collagen type V alpha 1 chain; plus strand). Cytogenetic location: 9q34.3.
Variant type: single nucleotide variant.
Coding change: c.2555A>T on transcript NM_000093.5 (MANE Select); coding-DNA position 2555, A replaced by T.
Protein change: p.Asn852Ile; replaces asparagine 852 with isoleucine.
Molecular consequence: missense variant.
Genome position (GRCh38, 1-based): chr9:134,785,059, A>T. VCF-style: chr9-134785059-A-T. GRCh37 (hg19) VCF-style: chr9-137676905-A-T.
Other names: p.N852I:AAT>ATT; p.Asn852Ile; c.2555A>T, p.Asn852Ile (NM_001278074.1); short protein forms N852I.
Identifiers: ClinVar variation 213043 (VCV000213043.54), dbSNP rs148146480, ClinGen allele CA321232.

ClinVar aggregate classification (germline): Conflicting classifications of pathogenicity. Review status: criteria provided, conflicting classifications (1 of 4 stars). 7 submissions from 7 submitters: Uncertain significance (5); Benign (1); Likely benign (1). Last evaluated 2026-07-13.

Conditions:
Ehlers-Danlos syndrome, classic type, 1 (EDSCL1). Also called: EHLERS-DANLOS SYNDROME, GRAVIS TYPE; EHLERS-DANLOS SYNDROME, SEVERE CLASSIC TYPE; Ehlers-Danlos syndrome, type 1; Ehlers-Danlos Syndrome, Classic Type, COL5A1-Related; EDS I. Identifiers: MedGen C0268335, MONDO:0019567, OMIM 130000.
Connective tissue disorder. Also called: Connective tissue disease. Identifiers: MedGen C0009782, MONDO:0003900.
Familial thoracic aortic aneurysm and aortic dissection (TAAD). Also called: Thoracic aortic aneurysms and dissections. Identifiers: Orphanet 91387, MedGen C4707243, MONDO:0019625.

gnomAD v4.1: 46 of 1,613,320 alleles (0.0029%); highest among the groups gnomAD compares: Non-Finnish European, 0.0036%; no homozygotes.

Submissions (7):

Ambry Genetics
Classification: Uncertain significance for Familial thoracic aortic aneurysm and aortic dissection. Last evaluated: 2026-07-13. Review status: criteria provided, single submitter. Criteria: Ambry Variant Classification Scheme 2023. Collection method: clinical testing. Allele origin: germline.
Comment: The p.N852I variant (also known as c.2555A>T), located in coding exon 30 of the COL5A1 gene, results from an A to T substitution at nucleotide position 2555. The asparagine at codon 852 is replaced by isoleucine, an amino acid with dissimilar properties. This amino acid position is conserved. In addition, the in silico prediction for this alteration is inconclusive. Based on the available evidence, the clinical significance of this variant remains unclear.

Mayo Clinic Laboratories, Mayo Clinic
Classification: Uncertain significance. Last evaluated: 2025-12-17. Review status: criteria provided, single submitter. Criteria: ACMG Guidelines, 2015. Collection method: clinical testing. Allele origin: germline. Observed: 1 variant allele.

Labcorp Genetics (formerly Invitae), Labcorp
Classification: Benign for Ehlers-Danlos syndrome, classic type, 1. Last evaluated: 2025-10-13. Review status: criteria provided, single submitter. Criteria: Invitae Variant Classification Sherloc (09022015). Collection method: clinical testing. Allele origin: germline.

Laboratory of Genetics, Children's Clinical University Hospital Latvia
Classification: Likely benign. Last evaluated: 2025-02-16. Review status: criteria provided, single submitter. Criteria: ACMG Guidelines, 2015. Collection method: clinical testing. Allele origin: germline. Affected: yes.

GeneDx
Classification: Uncertain significance. Last evaluated: 2024-02-22. Review status: criteria provided, single submitter. Criteria: GeneDx Variant Classification Process June 2021. Collection method: clinical testing. Allele origin: germline. Affected: yes.
Comment: Has not been previously published as pathogenic or benign to our knowledge; In silico analysis, which includes protein predictors and evolutionary conservation, supports that this variant does not alter protein structure/function; Occurs in the triple helical domain at the Y position in the canonical Gly-X-Y repeat; although this variant may have an effect on normal protein folding and function, missense substitution at the Y position is not a common mechanism of disease (PMID: 22696272; HGMD); This variant is associated with the following publications: (PMID: 22696272)

CeGaT Center for Human Genetics Tuebingen
Classification: Uncertain significance. Last evaluated: 2018-10-01. Review status: criteria provided, single submitter. Criteria: CeGaT Center For Human Genetics Tuebingen Variant Classification Criteria Version 2. Collection method: clinical testing. Allele origin: germline. Affected: yes. Observed: 1 variant allele.

Center for Human Genetics, Inc
Classification: Uncertain significance for Connective tissue disorder. Last evaluated: 2016-11-01. Review status: criteria provided, single submitter. Criteria: ACMG Guidelines, 2015. Collection method: clinical testing. Allele origin: germline. Affected: yes.